The following is an entry in ClinVar:

NM_014780.5(CUL7):c.2428C>T (p.Arg810Ter)

Gene: CUL7 (cullin 7; minus strand). Cytogenetic location: 6p21.1.
Variant type: single nucleotide variant.
Coding change: c.2428C>T on transcript NM_014780.5 (MANE Select); coding-DNA position 2428, C replaced by T.
Protein change: p.Arg810Ter; replaces arginine 810 with a stop codon.
Molecular consequence: nonsense.
Genome position (GRCh38, 1-based): chr6:43,046,571, G>A on the plus strand (C>T on the coding strand, the complement: CUL7 is on the minus strand). VCF-style: chr6-43046571-G-A. GRCh37 (hg19) VCF-style: chr6-43014309-G-A.
Other names: c.2524C>T, p.Arg842Ter (NM_001168370.2, NM_001374872.1); c.2428C>T, p.Arg810Ter (NM_001374873.1, NM_001374874.1); short protein forms R810*, R842*.
Identifiers: ClinVar variation 3256559 (VCV003256559.1), dbSNP rs1473516947.

ClinVar aggregate classification (germline): Likely pathogenic (1 of 4 stars; one submission).

Conditions:
3M syndrome 1. Also called: 3-M Syndrome, CUL7-Related. Identifiers: Orphanet 2616, MedGen C2678312, MONDO:0010117, OMIM 273750.

gnomAD v4.1: 22 of 1,614,022 alleles (0.0014%); highest among the groups gnomAD compares: East Asian, 0.0022%; no homozygotes.

Submission:

Laboratory of Medical Genetics, National & Kapodistrian University of Athens
Classification: Likely pathogenic for 3M syndrome 1. Last evaluated: 2023-05-17. Review status: criteria provided, single submitter. Criteria: ACMG Guidelines, 2015. Collection method: clinical testing. Allele origin: germline. Affected: yes.
Comment: PVS1, PM2 - It is expected to result in an absent or disrupted protein product. Low frequency in gnomAD population databases. Loss-of-function variants in CUL7 are known to be pathogenic (PMID:19225462).